The following is an entry in ClinVar:

ClinVar aggregate classification (germline): Uncertain significance. Review status: criteria provided, multiple submitters, no conflicts (2 of 4 stars). 2 submissions from 2 submitters: Uncertain significance (2). Last evaluated 2025-06-25.

Submissions (2):

Labcorp Genetics (formerly Invitae), Labcorp
Classification: Uncertain significance. Last evaluated: 2025-06-25. Review status: criteria provided, single submitter. Criteria: Invitae Variant Classification Sherloc (09022015). Collection method: clinical testing. Allele origin: germline.
Comment: This sequence change replaces asparagine, which is neutral and polar, with serine, which is neutral and polar, at codon 323 of the NDUFAF7 protein (p.Asn323Ser). This variant is present in population databases (rs759515634, gnomAD 0.003%). This variant has not been reported in the literature in individuals affected with NDUFAF7-related conditions. ClinVar contains an entry for this variant (Variation ID: 3878511). An algorithm developed to predict the effect of missense changes on protein structure and function (PolyPhen-2) suggests that this variant is likely to be tolerated. In summary, the available evidence is currently insufficient to determine the role of this variant in disease. Therefore, it has been classified as a Variant of Uncertain Significance.

Ambry Genetics
Classification: Uncertain significance. Last evaluated: 2025-02-07. Review status: criteria provided, single submitter. Criteria: Ambry Variant Classification Scheme 2023. Collection method: clinical testing. Allele origin: germline.

NM_144736.5(NDUFAF7):c.1262A>G (p.Asn421Ser)

Gene: NDUFAF7 (NADH:ubiquinone oxidoreductase complex assembly factor 7; plus strand). Cytogenetic location: 2p22.2.
Variant type: single nucleotide variant.
Coding change: c.1262A>G on transcript NM_144736.5 (MANE Select); coding-DNA position 1262, A replaced by G.
Protein change: p.Asn421Ser; replaces asparagine 421 with serine.
Molecular consequence: missense variant. On other transcripts: non-coding transcript variant (10).
Genome position (GRCh38, 1-based): chr2:37,248,286, A>G. VCF-style: chr2-37248286-A-G. GRCh37 (hg19) VCF-style: chr2-37475429-A-G.
Other names: c.968A>G, p.Asn323Ser (NM_001083946.2); c.1139A>G, p.Asn380Ser (NM_001350024.2); c.1058A>G, p.Asn353Ser (NM_001350025.2); c.1049A>G, p.Asn350Ser (NM_001350027.2); short protein forms N421S, N323S, N380S, N350S, N353S.
Identifiers: ClinVar variation 3878511 (VCV003878511.2).